The following is an entry in ClinVar:

ClinVar aggregate classification (germline): Likely benign (0 of 4 stars; one submission).

Conditions:
PKD1L1-related disorder. Also called: PKD1L1-related condition.

Allele frequency attached by ClinVar (database versions not stated): gnomAD 0.00001; TOPMed 0.00005; ExAC 0.00006; gnomAD exomes 0.00006; ESP Exome Variant Server 0.00023.
gnomAD v4.1: 88 of 1,614,032 alleles (0.0055%); highest among the groups gnomAD compares: Non-Finnish European, 0.0068%; no homozygotes.

Submission:

PreventionGenetics, part of Exact Sciences
Classification: Likely benign for PKD1L1-related condition. Last evaluated: 2021-09-03. Review status: no assertion criteria provided. Collection method: clinical testing. Allele origin: germline.
Comment: This variant is classified as likely benign based on ACMG/AMP sequence variant interpretation guidelines (Richards et al. 2015 PMID: 25741868, with internal and published modifications).

NM_138295.5(PKD1L1):c.6522C>T (p.Ser2174=)

Gene: PKD1L1 (polycystin 1 like 1, transient receptor potential channel interacting; minus strand). Cytogenetic location: 7p12.3.
Variant type: single nucleotide variant.
Coding change: c.6522C>T on transcript NM_138295.5 (MANE Select); coding-DNA position 6522, C replaced by T.
Protein change: p.Ser2174=; no amino-acid change (serine 2174 retained).
Molecular consequence: synonymous variant.
Genome position (GRCh38, 1-based): chr7:47,830,076, G>A on the plus strand (C>T on the coding strand, the complement: PKD1L1 is on the minus strand). VCF-style: chr7-47830076-G-A. GRCh37 (hg19) VCF-style: chr7-47869674-G-A.
Identifiers: ClinVar variation 3051479 (VCV003051479.2), dbSNP rs371732307, ClinGen allele CA4252426.
Genomic context (GRCh38, chr7:47,830,076, plus strand): 5'-TCTACCATGGAGGGTGTTTCTTACCATAAGTGGCTGGGTGATGAAAATACAGCAGACCAC[G>A]GAGAGGGACAGCAGGTGCAGCCACTGCACACATTGCTCCTGGCCAAACCTGCCCCCAGGG-3'
Protein context (NP_612152.1, residues 2164-2184): CVQWLHLLSL[Ser2174=]VVCCIFITQP